The following is an entry in ClinVar:

NC_000008.11:g.16042179_16081673dup

Variant type: Duplication.
Identifiers: ClinVar variation 157100 (VCV000157100.2).

ClinVar aggregate classification (germline): not provided (0 of 4 stars; one submission).

Conditions:
Preeclampsia. Identifiers: Orphanet 275555, MedGen C0032914, MONDO:0005081, HP:0100602.

Submission:

Institute of Molecular and Cell Biology, University of Tartu
No classification provided. Condition: Preeclampsia. Review status: no classification provided. Collection method: case-control. Allele origin: unknown. Affected: yes. Study: Kasak2014.
Comment: The study aimed to determine the contribution of copy number variants in the genetic etiology of normal and complicated pregnancies. The samples represented (i) maternal blood DNA drawn from healthy pregnant women during 1st or 2nd trimester and (ii) maternal and paternal blood DNA drawn at term pregnancy cases representing normal and complicated gestations (severe preeclampsia, PE; gestational diabetes, GD; small-for-gestational age newborn, SGA; large-for-gestational age newborn, LGA). We performed CNV calling based on genome-wide genotyping dataset (Illumina HumanOmniExpress-24-v1 BeadChip) by applying three algorithms, QuantiSNP, GADA (Genome Alteration Detection Algorithm) and CNstream in parallel. The acquired CNV calls were merged with HD-CNV (Hotspot Detector for Copy Number Variants) program and only the CNVs predicted by at least two programs, were considered in subsequent analysis.

Literature cited by the submitters: PubMed 25666259.